The following is an entry in ClinVar:

NM_001145809.2(MYH14):c.4390C>T (p.Gln1464Ter)

Gene: MYH14 (myosin heavy chain 14; plus strand). Cytogenetic location: 19q13.33.
Variant type: single nucleotide variant.
Coding change: c.4390C>T on transcript NM_001145809.2 (MANE Select); coding-DNA position 4390, C replaced by T.
Protein change: p.Gln1464Ter; replaces glutamine 1464 with a stop codon.
Molecular consequence: nonsense.
Genome position (GRCh38, 1-based): chr19:50,281,693, C>T. VCF-style: chr19-50281693-C-T. GRCh37 (hg19) VCF-style: chr19-50784950-C-T.
Other names: c.4291C>T, p.Gln1431Ter (NM_001077186.2); c.4267C>T, p.Gln1423Ter (NM_024729.4); short protein forms Q1464*, Q1423*, Q1431*.
Identifiers: ClinVar variation 2830002 (VCV002830002.3), dbSNP rs1224310163, ClinGen allele CA406958129.

ClinVar aggregate classification (germline): Pathogenic (1 of 4 stars; one submission).

Allele frequency attached by ClinVar (database versions not stated): gnomAD 0.00001.
gnomAD v4.1: 1 of 1,611,928 alleles (0.000062%); highest among the groups gnomAD compares: African/African-American, 0.0013%; no homozygotes.

Submission:

Labcorp Genetics (formerly Invitae), Labcorp
Classification: Pathogenic. Last evaluated: 2023-03-17. Review status: criteria provided, single submitter. Criteria: Invitae Variant Classification Sherloc (09022015). Collection method: clinical testing. Allele origin: germline.
Comment: This sequence change creates a premature translational stop signal (p.Gln1423*) in the MYH14 gene. It is expected to result in an absent or disrupted protein product. Loss-of-function variants in MYH14 are known to be pathogenic (PMID: 15015131, 28221712). This variant is present in population databases (no rsID available, gnomAD 0.01%). This variant has not been reported in the literature in individuals affected with MYH14-related conditions. For these reasons, this variant has been classified as Pathogenic.

Literature cited by the submitters: PubMed 15015131; PubMed 28221712.